The following is an entry in ClinVar:

ClinVar aggregate classification (germline): Conflicting classifications of pathogenicity. Review status: criteria provided, conflicting classifications (1 of 4 stars). 5 submissions from 5 submitters: Uncertain significance (3); Benign (1); Likely benign (1). Last evaluated 2026-01-28.

Conditions:
OTOF-related disorder. Also called: OTOF-related condition.
Bilateral sensorineural hearing impairment. Also called: Bilateral sensorineural hearing loss. Identifiers: MedGen C0452138, HP:0008619.

Allele frequency attached by ClinVar (database versions not stated): gnomAD exomes 0.00008 and 0.00015; ExAC 0.00015; ESP Exome Variant Server 0.00046; gnomAD 0.00058 and 0.00064; TOPMed 0.00059; 1000 Genomes Project 30x 0.00078; 1000 Genomes Project 0.00100.
gnomAD v4.1: 239 of 1,613,230 alleles (0.015%); highest among the groups gnomAD compares: African/African-American, 0.21%; 2 homozygotes.

Submissions (5):

Labcorp Genetics (formerly Invitae), Labcorp
Classification: Benign. Last evaluated: 2026-01-28. Review status: criteria provided, single submitter. Criteria: Invitae Variant Classification Sherloc (09022015). Collection method: clinical testing. Allele origin: germline.

PreventionGenetics, part of Exact Sciences
Classification: Likely benign for OTOF-related condition. Last evaluated: 2025-01-03. Review status: criteria provided, single submitter. Criteria: ACMG Guidelines, 2015. Collection method: clinical testing. Allele origin: germline.
Comment: This variant is classified as likely benign based on ACMG/AMP sequence variant interpretation guidelines (Richards et al. 2015 PMID: 25741868, with internal and published modifications).

Eurofins Ntd Llc (ga)
Classification: Uncertain significance. Last evaluated: 2017-11-15. Review status: criteria provided, single submitter. Criteria: EGL Classification Definitions 2015. Collection method: clinical testing. Allele origin: germline. Observed: 1 variant allele, 1 heterozygote.

Laboratory for Molecular Medicine, Mass General Brigham Personalized Medicine
Classification: Uncertain significance. Last evaluated: 2016-04-08. Review status: criteria provided, single submitter. Criteria: LMM Criteria. Collection method: clinical testing. Allele origin: germline. Observed: 1 variant allele.
Comment: Variant classified as Uncertain Significance - Favor Benign. The p.Arg1068His va riant in OTOF has not been previously reported in individuals with hearing loss. This variant has been identified in 0.2% (17/10190) of African chromosomes by t he Exome Aggregation Consortium (ExAC; dbSNP rs1 80748688). Although this variant has been seen in the general population, its f requency is not high enough to rule out a pathogenic role. Computational predict ion tools and conservation analyses suggest that the p.Arg1068His variant may im pact the protein, though this information is not predictive enough to determine pathogenicity. In summary, while the clinical significance of the p.Arg1068His v ariant is uncertain, the frequency data suggest that it is more likely to be ben ign.

Laboratory of Human Genetics, Institute of Biosciences - University of Sao Paulo
Classification: Uncertain significance for Bilateral sensorineural hearing impairment. Review status: criteria provided, single submitter. Criteria: ClinGen HL ACMG Specifications v1. Collection method: research. Allele origin: germline. Affected: yes. Observed: 1 heterozygote.
Comment: clinical significance unknown since this variant was found in single heterozygosis and a heterozygous variant in P2RX2 was detected, which is more likely to be related to the phenotype

Literature cited by the submitters: PubMed 34652575 (cited by Laboratory of Human Genetics, Institute of Biosciences - University of Sao Paulo); PubMed 19461658 (cited by Laboratory of Human Genetics, Institute of Biosciences - University of Sao Paulo).

NM_194248.3(OTOF):c.3203G>A (p.Arg1068His)

Gene: OTOF (otoferlin; minus strand). Cytogenetic location: 2p23.3.
Variant type: single nucleotide variant.
Coding change: c.3203G>A on transcript NM_194248.3 (MANE Select); coding-DNA position 3203, G replaced by A.
Protein change: p.Arg1068His; replaces arginine 1068 with histidine.
Molecular consequence: missense variant.
Genome position (GRCh38, 1-based): chr2:26,474,598, C>T on the plus strand (G>A on the coding strand, the complement: OTOF is on the minus strand). VCF-style: chr2-26474598-C-T. GRCh37 (hg19) VCF-style: chr2-26697466-C-T.
Other names: c.3203G>A, p.Arg1068His (NM_001287489.2); c.962G>A, p.Arg321His (NM_004802.4, NM_194323.3); c.1133G>A, p.Arg378His (NM_194322.3); short protein forms R1068H, R321H, R378H.
Identifiers: ClinVar variation 504517 (VCV000504517.16), dbSNP rs180748688, ClinGen allele CA1563631.
Genomic context (GRCh38, chr2:26,474,598, plus strand): 5'-AGGTCTCCAGCTGTGGCGTTGCCACGGTAGATCTGGTAGTACTCGAGCTGAGGTGGGAAG[C>T]GGGGTGGGCAGTACGCCTCGTCTGCCATCTTCACCAGGGGTTTGGCGAAGGTCCGGCCCA-3'
Protein context (NP_919224.1, residues 1058-1078): KMADEAYCPP[Arg1068His]FPPQLEYYQI